The following is an entry in ClinVar:

NM_006445.4(PRPF8):c.1434C>T (p.Ala478=)

Gene: PRPF8 (pre-mRNA processing factor 8; minus strand). Cytogenetic location: 17p13.3.
Variant type: single nucleotide variant.
Coding change: c.1434C>T on transcript NM_006445.4 (MANE Select); coding-DNA position 1434, C replaced by T.
Protein change: p.Ala478=; no amino-acid change (alanine 478 retained).
Molecular consequence: synonymous variant.
Genome position (GRCh38, 1-based): chr17:1,679,182, G>A on the plus strand (C>T on the coding strand, the complement: PRPF8 is on the minus strand). VCF-style: chr17-1679182-G-A. GRCh37 (hg19) VCF-style: chr17-1582476-G-A.
Other names: c.1434C>T (NM_006445.3).
Identifiers: ClinVar variation 1913982 (VCV001913982.7), dbSNP rs766311612, ClinGen allele CA8272337.

ClinVar aggregate classification (germline): Likely benign. Review status: criteria provided, multiple submitters, no conflicts (2 of 4 stars). 3 submissions from 3 submitters: Likely benign (3). Last evaluated 2026-01-12.

Conditions:
PRPF8-related disorder. Also called: PRPF8-related condition.

Allele frequency attached by ClinVar (database versions not stated): ExAC 0.00005.
gnomAD v4.1: 10 of 1,614,178 alleles (0.00062%); highest among the groups gnomAD compares: Admixed American, 0.01%; no homozygotes.

Submissions (3):

PreventionGenetics, part of Exact Sciences
Classification: Likely benign for PRPF8-related condition. Last evaluated: 2026-01-12. Review status: criteria provided, single submitter. Criteria: ACMG Guidelines, 2015. Collection method: clinical testing. Allele origin: germline.
Comment: This variant is classified as likely benign based on ACMG/AMP sequence variant interpretation guidelines (Richards et al. 2015 PMID: 25741868, with internal and published modifications).

Labcorp Genetics (formerly Invitae), Labcorp
Classification: Likely benign. Last evaluated: 2022-11-01. Review status: criteria provided, single submitter. Criteria: Invitae Variant Classification Sherloc (09022015). Collection method: clinical testing. Allele origin: germline.

Blueprint Genetics
Classification: Likely benign. Last evaluated: 2022-05-01. Review status: criteria provided, single submitter. Criteria: ACMG Guidelines, 2015. Collection method: clinical testing. Allele origin: germline.